The following is an entry in ClinVar:

ClinVar aggregate classification (germline): Uncertain significance (1 of 4 stars; one submission).

Submission:

Labcorp Genetics (formerly Invitae), Labcorp
Classification: Uncertain significance. Last evaluated: 2020-11-10. Review status: criteria provided, single submitter. Criteria: Invitae Variant Classification Sherloc (09022015). Collection method: clinical testing. Allele origin: germline.
Comment: This sequence change replaces methionine with lysine at codon 18 of the TNFSF11 protein (p.Met18Lys). The methionine residue is weakly conserved and there is a moderate physicochemical difference between methionine and lysine. The frequency data for this variant in the population databases is considered unreliable, as metrics indicate insufficient coverage at this position in the ExAC database. This variant has not been reported in the literature in individuals with TNFSF11-related conditions. Algorithms developed to predict the effect of missense changes on protein structure and function are either unavailable or do not agree on the potential impact of this missense change (SIFT: "Deleterious"; PolyPhen-2: "Benign"; Align-GVGD: "Class C0"). In summary, the available evidence is currently insufficient to determine the role of this variant in disease. Therefore, it has been classified as a Variant of Uncertain Significance.

NM_003701.4(TNFSF11):c.53T>A (p.Met18Lys)

Genes: TNFSF11 (TNF superfamily member 11; plus strand), LOC130009662 (ATAC-STARR-seq lymphoblastoid silent region 5301; plus strand). Cytogenetic location: 13q14.11.
Variant type: single nucleotide variant.
Coding change: c.53T>A on transcript NM_003701.4 (MANE Select); coding-DNA position 53, T replaced by A.
Protein change: p.Met18Lys; replaces methionine 18 with lysine.
Molecular consequence: missense variant. On other transcripts: intron variant (1).
Genome position (GRCh38, 1-based): chr13:42,574,356, T>A. VCF-style: chr13-42574356-T-A. GRCh37 (hg19) VCF-style: chr13-43148492-T-A.
Other names: c.-1+2618T>A (NM_033012.4); short protein forms M18K.
Identifiers: ClinVar variation 1345678 (VCV001345678.8), dbSNP rs2137852368, ClinGen allele CA388214294.